The following is an entry in ClinVar:

ClinVar aggregate classification (germline): Uncertain significance. Review status: criteria provided, multiple submitters, no conflicts (2 of 4 stars). 2 submissions from 2 submitters: Uncertain significance (2). Last evaluated 2026-02-23.

Conditions:
Inborn genetic diseases. Identifiers: MedGen C0950123, MeSH D030342.

gnomAD v4.1: 1 of 1,613,646 alleles (0.000062%); highest among the groups gnomAD compares: Admixed American, 0.0017%; no homozygotes.

Submissions (2):

Ambry Genetics
Classification: Uncertain significance for Inborn genetic diseases. Last evaluated: 2026-02-23. Review status: criteria provided, single submitter. Criteria: Ambry Variant Classification Scheme 2023. Collection method: clinical testing. Allele origin: germline.
Comment: The p.E1578A variant (also known as c.4733A>C), located in coding exon 32 of the ANKRD26 gene, results from an A to C substitution at nucleotide position 4733. The glutamic acid at codon 1578 is replaced by alanine, an amino acid with dissimilar properties. This amino acid position is conserved. In addition, this alteration is predicted to be tolerated by in silico analysis. Based on the available evidence, the clinical significance of this variant remains unclear.

GeneDx
Classification: Uncertain significance. Last evaluated: 2023-12-28. Review status: criteria provided, single submitter. Criteria: GeneDx Variant Classification Process June 2021. Collection method: clinical testing. Allele origin: germline. Affected: yes.
Comment: Not observed at significant frequency in large population cohorts (gnomAD); In silico analysis supports that this missense variant has a deleterious effect on protein structure/function; Has not been previously published as pathogenic or benign to our knowledge

NM_014915.3(ANKRD26):c.4733A>C (p.Glu1578Ala)

Gene: ANKRD26 (ankyrin repeat domain 26; minus strand). Cytogenetic location: 10p12.1.
Variant type: single nucleotide variant.
Coding change: c.4733A>C on transcript NM_014915.3 (MANE Select); coding-DNA position 4733, A replaced by C.
Protein change: p.Glu1578Ala; replaces glutamic acid 1578 with alanine.
Molecular consequence: missense variant.
Genome position (GRCh38, 1-based): chr10:27,013,102, T>G on the plus strand (A>C on the coding strand, the complement: ANKRD26 is on the minus strand). VCF-style: chr10-27013102-T-G. GRCh37 (hg19) VCF-style: chr10-27302031-T-G.
Other names: c.4730A>C, p.Glu1577Ala (NM_001256053.2); short protein forms E1577A, E1578A.
Identifiers: ClinVar variation 3367270 (VCV003367270.2).